The following is an entry in ClinVar:

ClinVar aggregate classification (germline): Uncertain significance (1 of 4 stars; one submission).

Conditions:
Hypertrophic cardiomyopathy. Also called: HYPERTROPHIC MYOCARDIOPATHY. Identifiers: Orphanet 217569, MedGen C0007194, MeSH D002312, MONDO:0005045, HP:0001639.

Submission:

Labcorp Genetics (formerly Invitae), Labcorp
Classification: Uncertain significance for Hypertrophic cardiomyopathy. Last evaluated: 2022-08-09. Review status: criteria provided, single submitter. Criteria: Invitae Variant Classification Sherloc (09022015). Collection method: clinical testing. Allele origin: germline.
Comment: This variant is found within a region of MYH7 between codons 181 and 937 that contains the majority of the myosin head domain. Missense variants in this region have been shown to be significantly overrepresented in individuals with hypertrophic cardiomyopathy (PMID: 27532257). In summary, the available evidence is currently insufficient to determine the role of this variant in disease. Therefore, it has been classified as a Variant of Uncertain Significance. Algorithms developed to predict the effect of sequence changes on RNA splicing suggest that this variant may create or strengthen a splice site. Algorithms developed to predict the effect of missense changes on protein structure and function are either unavailable or do not agree on the potential impact of this missense change (SIFT: "Deleterious"; PolyPhen-2: "Probably Damaging"; Align-GVGD: "Class C0"). ClinVar contains an entry for this variant (Variation ID: 1045290). This variant has not been reported in the literature in individuals affected with MYH7-related conditions. This variant is not present in population databases (gnomAD no frequency). This sequence change replaces threonine, which is neutral and polar, with proline, which is neutral and non-polar, at codon 342 of the MYH7 protein (p.Thr342Pro).

Literature cited by the submitters: PubMed 27532257.

NM_000257.4(MYH7):c.1024A>C (p.Thr342Pro)

Gene: MYH7 (myosin heavy chain 7; minus strand). Cytogenetic location: 14q11.2.
Variant type: single nucleotide variant.
Coding change: c.1024A>C on transcript NM_000257.4 (MANE Select); coding-DNA position 1024, A replaced by C.
Protein change: p.Thr342Pro; replaces threonine 342 with proline.
Molecular consequence: missense variant.
Genome position (GRCh38, 1-based): chr14:23,429,889, T>G on the plus strand (A>C on the coding strand, the complement: MYH7 is on the minus strand). VCF-style: chr14-23429889-T-G. GRCh37 (hg19) VCF-style: chr14-23899098-T-G.
Other names: short protein forms T342P.
Identifiers: ClinVar variation 1045290 (VCV001045290.6), dbSNP rs1892857708, ClinGen allele CA389051526.